The following is an entry in ClinVar:

NM_001046.3(SLC12A2):c.1103T>C (p.Ile368Thr)

Gene: SLC12A2 (solute carrier family 12 member 2; plus strand). Cytogenetic location: 5q23.3.
Variant type: single nucleotide variant.
Coding change: c.1103T>C on transcript NM_001046.3 (MANE Select); coding-DNA position 1103, T replaced by C.
Protein change: p.Ile368Thr; replaces isoleucine 368 with threonine.
Molecular consequence: missense variant. On other transcripts: non-coding transcript variant (1).
Genome position (GRCh38, 1-based): chr5:128,131,121, T>C. VCF-style: chr5-128131121-T-C. GRCh37 (hg19) VCF-style: chr5-127466813-T-C.
Other names: c.1103T>C, p.Ile368Thr (NM_001256461.2); short protein forms I368T.
Identifiers: ClinVar variation 4689361 (VCV004689361.1).

ClinVar aggregate classification (germline): Uncertain significance (1 of 4 stars; one submission).

gnomAD v4.1: 1 of 1,614,006 alleles (0.000062%); highest among the groups gnomAD compares: African/African-American, 0.0013%; no homozygotes.

Submission:

Women's Health and Genetics/Laboratory Corporation of America, LabCorp
Classification: Uncertain significance. Last evaluated: 2026-01-15. Review status: criteria provided, single submitter. Criteria: LabCorp Variant Classification Summary - May 2015. Collection method: clinical testing. Allele origin: germline.
Comment: Variant summary: SLC12A2 c.1103T>C (p.Ile368Thr) results in a non-conservative amino acid change in the encoded protein sequence. Algorithms developed to predict the effect of missense changes on protein structure and function all suggest that this variant is likely to be disruptive. The variant allele was found at a frequency of 4e-06 in 251488 control chromosomes. The available data on variant occurrences in the general population are insufficient to allow any conclusion about variant significance. To our knowledge, no occurrence of c.1103T>C in individuals affected with SLC12A2-related conditions and no experimental evidence demonstrating its impact on protein function have been reported. No submitters have cited clinical-significance assessments for this variant to ClinVar. Based on the evidence outlined above, the variant was classified as uncertain significance.